The following is an entry in ClinVar:

NM_001291303.3(FAT4):c.5495G>T (p.Ser1832Ile)

Gene: FAT4 (FAT atypical cadherin 4; plus strand). Cytogenetic location: 4q28.1.
Variant type: single nucleotide variant.
Coding change: c.5495G>T on transcript NM_001291303.3 (MANE Select); coding-DNA position 5495, G replaced by T.
Protein change: p.Ser1832Ile; replaces serine 1832 with isoleucine.
Molecular consequence: missense variant.
Genome position (GRCh38, 1-based): chr4:125,407,067, G>T. VCF-style: chr4-125407067-G-T. GRCh37 (hg19) VCF-style: chr4-126328222-G-T.
Other names: c.5495G>T, p.Ser1832Ile (NM_001291285.3, NM_024582.6); short protein forms S1832I.
Identifiers: ClinVar variation 2123680 (VCV002123680.4), dbSNP rs2530749105, ClinGen allele CA358122791.

ClinVar aggregate classification (germline): Uncertain significance (1 of 4 stars; one submission).

Submission:

Labcorp Genetics (formerly Invitae), Labcorp
Classification: Uncertain significance. Last evaluated: 2022-06-28. Review status: criteria provided, single submitter. Criteria: Invitae Variant Classification Sherloc (09022015). Collection method: clinical testing. Allele origin: germline.
Comment: This variant is not present in population databases (gnomAD no frequency). This variant has not been reported in the literature in individuals affected with FAT4-related conditions. Advanced modeling of protein sequence and biophysical properties (such as structural, functional, and spatial information, amino acid conservation, physicochemical variation, residue mobility, and thermodynamic stability) performed at Invitae indicates that this missense variant is not expected to disrupt FAT4 protein function. In summary, the available evidence is currently insufficient to determine the role of this variant in disease. Therefore, it has been classified as a Variant of Uncertain Significance. This sequence change replaces serine, which is neutral and polar, with isoleucine, which is neutral and non-polar, at codon 1832 of the FAT4 protein (p.Ser1832Ile).